The following is an entry in ClinVar:

ClinVar aggregate classification (germline): Uncertain significance (1 of 4 stars; one submission).

Submission:

Labcorp Genetics (formerly Invitae), Labcorp
Classification: Uncertain significance. Last evaluated: 2024-11-11. Review status: criteria provided, single submitter. Criteria: Invitae Variant Classification Sherloc (09022015). Collection method: clinical testing. Allele origin: germline.
Comment: This sequence change falls in intron 10 of the ACTN1 gene. It does not directly change the encoded amino acid sequence of the ACTN1 protein. This variant is not present in population databases (gnomAD no frequency). This variant has not been reported in the literature in individuals affected with ACTN1-related conditions. Algorithms developed to predict the effect of sequence changes on RNA splicing suggest that this variant may create or strengthen a splice site. In summary, the available evidence is currently insufficient to determine the role of this variant in disease. Therefore, it has been classified as a Variant of Uncertain Significance.

NM_001130004.2(ACTN1):c.1086+11G>A

Gene: ACTN1 (actinin alpha 1; minus strand). Cytogenetic location: 14q24.1.
Variant type: single nucleotide variant.
Coding change: c.1086+11G>A on transcript NM_001130004.2 (MANE Select); 11 bases into the intron after coding-DNA position 1086, G replaced by A.
Molecular consequence: intron variant.
Genome position (GRCh38, 1-based): chr14:68,892,042, C>T on the plus strand (G>A on the coding strand, the complement: ACTN1 is on the minus strand). VCF-style: chr14-68892042-C-T. GRCh37 (hg19) VCF-style: chr14-69358759-C-T.
Other names: c.1086+11G>A (NM_001424029.1, NM_001424027.1, NM_001424025.1 and 9 more transcripts); c.261+11G>A (NM_001424030.1); c.1212+11G>A (NM_001424013.1); c.1023+11G>A (NM_001424022.1, NM_001424020.1, NM_001424018.1); c.891+11G>A (NM_001424026.1, NM_001424028.1, NM_001411036.1); c.1017+11G>A (NM_001424021.1); c.1083+11G>A (NM_001424017.1); c.1173+11G>A (NM_001424015.1).
Identifiers: ClinVar variation 3686897 (VCV003686897.2).